The following is an entry in ClinVar:

NM_001231.5(CASQ1):c.660G>T (p.Lys220Asn)

Gene: CASQ1 (calsequestrin 1; plus strand). Cytogenetic location: 1q23.2.
Variant type: single nucleotide variant.
Coding change: c.660G>T on transcript NM_001231.5 (MANE Select); coding-DNA position 660, G replaced by T.
Protein change: p.Lys220Asn; replaces lysine 220 with asparagine.
Molecular consequence: missense variant.
Genome position (GRCh38, 1-based): chr1:160,195,905, G>T. VCF-style: chr1-160195905-G-T. GRCh37 (hg19) VCF-style: chr1-160165695-G-T.
Other names: short protein forms K220N.
Identifiers: ClinVar variation 1562378 (VCV001562378.11), dbSNP rs146742224, ClinGen allele CA1196295.

ClinVar aggregate classification (germline): Conflicting classifications of pathogenicity. Review status: criteria provided, conflicting classifications (1 of 4 stars). 3 submissions from 3 submitters: Uncertain significance (1); Likely benign (2). Last evaluated 2025-12-17.

Conditions:
Inborn genetic diseases. Identifiers: MedGen C0950123, MeSH D030342.

Allele frequency attached by ClinVar (database versions not stated): TOPMed 0.00005; ESP Exome Variant Server 0.00008; gnomAD exomes 0.00014 and 0.00024; gnomAD 0.00029 and 0.00031; ExAC 0.00038.
gnomAD v4.1: 254 of 1,613,708 alleles (0.016%); highest among the groups gnomAD compares: Non-Finnish European, 0.016%; 1 homozygote.

Submissions (3):

Labcorp Genetics (formerly Invitae), Labcorp
Classification: Likely benign. Last evaluated: 2025-12-17. Review status: criteria provided, single submitter. Criteria: Invitae Variant Classification Sherloc (09022015). Collection method: clinical testing. Allele origin: germline.

Laboratory of Genetics, Children's Clinical University Hospital Latvia
Classification: Likely benign. Last evaluated: 2025-02-16. Review status: criteria provided, single submitter. Criteria: ACMG Guidelines, 2015. Collection method: clinical testing. Allele origin: germline. Affected: yes.

Ambry Genetics
Classification: Uncertain significance for Inborn genetic diseases. Last evaluated: 2022-10-17. Review status: criteria provided, single submitter. Criteria: Ambry Variant Classification Scheme 2023. Collection method: clinical testing. Allele origin: germline.
Comment: The p.K220N variant (also known as c.660G>T), located in coding exon 6 of the CASQ1 gene, results from a G to T substitution at nucleotide position 660. The lysine at codon 220 is replaced by asparagine, an amino acid with similar properties. This amino acid position is conserved. In addition, the in silico prediction for this alteration is inconclusive. Since supporting evidence is limited at this time, the clinical significance of this alteration remains unclear.